The following is an entry in ClinVar:

NM_004656.4(BAP1):c.338G>C (p.Ser113Thr)

Gene: BAP1 (BRCA1 associated deubiquitinase 1; minus strand). Cytogenetic location: 3p21.1.
Variant type: single nucleotide variant.
Coding change: c.338G>C on transcript NM_004656.4 (MANE Select); coding-DNA position 338, G replaced by C.
Protein change: p.Ser113Thr; replaces serine 113 with threonine.
Molecular consequence: missense variant.
Genome position (GRCh38, 1-based): chr3:52,407,995, C>G on the plus strand (G>C on the coding strand, the complement: BAP1 is on the minus strand). VCF-style: chr3-52407995-C-G. GRCh37 (hg19) VCF-style: chr3-52442011-C-G.
Other names: short protein forms S113T.
Identifiers: ClinVar variation 924525 (VCV000924525.5), dbSNP rs1705220109, ClinGen allele CA353112011.

ClinVar aggregate classification (germline): Uncertain significance. Review status: criteria provided, multiple submitters, no conflicts (2 of 4 stars). 2 submissions from 2 submitters: Uncertain significance (2). Last evaluated 2022-04-20.

Conditions:
Hereditary cancer-predisposing syndrome. Also called: Neoplastic Syndromes, Hereditary; Tumor predisposition; Hereditary Cancer Syndrome; Hereditary neoplastic syndrome. Identifiers: Orphanet 140162, MedGen C0027672, MeSH D009386, MONDO:0015356.

Submissions (2):

Ambry Genetics
Classification: Uncertain significance for Hereditary cancer-predisposing syndrome. Last evaluated: 2022-04-20. Review status: criteria provided, single submitter. Criteria: Ambry Variant Classification Scheme 2023. Collection method: clinical testing. Allele origin: germline.
Comment: The p.S113T variant (also known as c.338G>C), located in coding exon 5 of the BAP1 gene, results from a G to C substitution at nucleotide position 338. The serine at codon 113 is replaced by threonine, an amino acid with similar properties. This amino acid position is highly conserved in available vertebrate species. In addition, this alteration is predicted to be tolerated by in silico analysis. Since supporting evidence is limited at this time, the clinical significance of this alteration remains unclear.

Color Diagnostics, LLC DBA Color Health
Classification: Uncertain significance for Hereditary cancer-predisposing syndrome. Last evaluated: 2019-08-19. Review status: criteria provided, single submitter. Criteria: ACMG Guidelines, 2015. Collection method: clinical testing. Allele origin: germline.
Comment: This missense variant replaces serine with threonine at codon 113 of the BAP1 protein. Computational prediction tools and conservation analyses are inconclusive regarding the impact of this variant on protein structure and function. Splice site prediction tools suggest that this variant may not impact RNA splicing. To our knowledge, functional studies have not been performed for this variant. This variant has been reported in an individual affected with oral mucosal melanoma (PMID: 28404968). This variant has not been identified in the general population by the Genome Aggregation Database (gnomAD). The available evidence is insufficient to determine the role of this variant in disease conclusively. Therefore, this variant is classified as a Variant of Uncertain Significance.